The following is an entry in ClinVar:

ClinVar aggregate classification (germline): Uncertain significance. Review status: criteria provided, multiple submitters, no conflicts (2 of 4 stars). 2 submissions from 2 submitters: Uncertain significance (2). Last evaluated 2025-05-07.

Allele frequency attached by ClinVar (database versions not stated): gnomAD exomes 0.00001; ExAC 0.00002; gnomAD 0.00009.
gnomAD v4.1: 22 of 1,614,040 alleles (0.0014%); highest among the groups gnomAD compares: African/African-American, 0.021%; no homozygotes.

Submissions (2):

Labcorp Genetics (formerly Invitae), Labcorp
Classification: Uncertain significance. Last evaluated: 2025-05-07. Review status: criteria provided, single submitter. Criteria: Invitae Variant Classification Sherloc (09022015). Collection method: clinical testing. Allele origin: germline.
Comment: This sequence change replaces arginine, which is basic and polar, with cysteine, which is neutral and slightly polar, at codon 727 of the RNF31 protein (p.Arg727Cys). This variant is present in population databases (rs751826285, gnomAD 0.02%). This variant has not been reported in the literature in individuals affected with RNF31-related conditions. ClinVar contains an entry for this variant (Variation ID: 3021770). An algorithm developed to predict the effect of missense changes on protein structure and function (PolyPhen-2) suggests that this variant is likely to be tolerated. In summary, the available evidence is currently insufficient to determine the role of this variant in disease. Therefore, it has been classified as a Variant of Uncertain Significance.

Ambry Genetics
Classification: Uncertain significance. Last evaluated: 2024-12-24. Review status: criteria provided, single submitter. Criteria: Ambry Variant Classification Scheme 2023. Collection method: clinical testing. Allele origin: germline.

NM_017999.5(RNF31):c.2179C>T (p.Arg727Cys)

Gene: RNF31 (ring finger protein 31; plus strand). Cytogenetic location: 14q12.
Variant type: single nucleotide variant.
Coding change: c.2179C>T on transcript NM_017999.5 (MANE Select); coding-DNA position 2179, C replaced by T.
Protein change: p.Arg727Cys; replaces arginine 727 with cysteine.
Molecular consequence: missense variant.
Genome position (GRCh38, 1-based): chr14:24,155,205, C>T. VCF-style: chr14-24155205-C-T. GRCh37 (hg19) VCF-style: chr14-24624414-C-T.
Other names: c.1726C>T, p.Arg576Cys (NM_001310332.2); c.2179C>T (NM_017999.4); short protein forms R576C, R727C.
Identifiers: ClinVar variation 3021770 (VCV003021770.4), dbSNP rs751826285, ClinGen allele CA7125996.